The following is an entry in ClinVar:

ClinVar aggregate classification (germline): Uncertain significance (1 of 4 stars; one submission).

Conditions:
Oligodontia-cancer predisposition syndrome. Also called: TOOTH AGENESIS-COLORECTAL CANCER SYNDROME. Identifiers: Orphanet 300576, MedGen C1837750, MONDO:0012075, OMIM 608615. Disease mechanism: loss of function.

Submission:

Labcorp Genetics (formerly Invitae), Labcorp
Classification: Uncertain significance for Oligodontia-cancer predisposition syndrome. Last evaluated: 2023-12-08. Review status: criteria provided, single submitter. Criteria: Invitae Variant Classification Sherloc (09022015). Collection method: clinical testing. Allele origin: germline.
Comment: This sequence change replaces proline, which is neutral and non-polar, with leucine, which is neutral and non-polar, at codon 593 of the AXIN2 protein (p.Pro593Leu). This variant is not present in population databases (gnomAD no frequency). This variant has not been reported in the literature in individuals affected with AXIN2-related conditions. An algorithm developed to predict the effect of missense changes on protein structure and function (PolyPhen-2) suggests that this variant is likely to be tolerated. In summary, the available evidence is currently insufficient to determine the role of this variant in disease. Therefore, it has been classified as a Variant of Uncertain Significance.

NM_004655.4(AXIN2):c.1778C>T (p.Pro593Leu)

Gene: AXIN2 (axin 2; minus strand). Cytogenetic location: 17q24.1.
Variant type: single nucleotide variant.
Coding change: c.1778C>T on transcript NM_004655.4 (MANE Select); coding-DNA position 1778, C replaced by T.
Protein change: p.Pro593Leu; replaces proline 593 with leucine.
Molecular consequence: missense variant. On other transcripts: intron variant (1).
Genome position (GRCh38, 1-based): chr17:65,536,998, G>A on the plus strand (C>T on the coding strand, the complement: AXIN2 is on the minus strand). VCF-style: chr17-65536998-G-A. GRCh37 (hg19) VCF-style: chr17-63533116-G-A.
Other names: c.1712+326C>T (NM_001363813.1); short protein forms P593L.
Identifiers: ClinVar variation 2883123 (VCV002883123.3), dbSNP rs2509408251, ClinGen allele CA400676640.